The following is an entry in ClinVar:

NM_005932.4(MIPEP):c.1862G>A (p.Arg621Gln)

Gene: MIPEP (mitochondrial intermediate peptidase; minus strand). Cytogenetic location: 13q12.12.
Variant type: single nucleotide variant.
Coding change: c.1862G>A on transcript NM_005932.4 (MANE Select); coding-DNA position 1862, G replaced by A.
Protein change: p.Arg621Gln; replaces arginine 621 with glutamine.
Molecular consequence: missense variant.
Genome position (GRCh38, 1-based): chr13:23,760,204, C>T on the plus strand (G>A on the coding strand, the complement: MIPEP is on the minus strand). VCF-style: chr13-23760204-C-T. GRCh37 (hg19) VCF-style: chr13-24334343-C-T.
Other names: c.1862G>A (NM_005932.3); short protein forms R621Q.
Identifiers: ClinVar variation 2912137 (VCV002912137.4), dbSNP rs752794654, ClinGen allele CA6912798.

ClinVar aggregate classification (germline): Uncertain significance. Review status: criteria provided, multiple submitters, no conflicts (2 of 4 stars). 2 submissions from 2 submitters: Uncertain significance (2). Last evaluated 2025-10-23.

Conditions:
Inborn genetic diseases. Identifiers: MedGen C0950123, MeSH D030342.

Allele frequency attached by ClinVar (database versions not stated): ExAC 0.00001; TOPMed 0.00004; gnomAD 0.00006.
gnomAD v4.1: 53 of 1,613,918 alleles (0.0033%); highest among the groups gnomAD compares: Middle Eastern, 0.016%; no homozygotes.

Submissions (2):

Ambry Genetics
Classification: Uncertain significance for Inborn genetic diseases. Last evaluated: 2025-10-23. Review status: criteria provided, single submitter. Criteria: Ambry Variant Classification Scheme 2023. Collection method: clinical testing. Allele origin: germline.

Labcorp Genetics (formerly Invitae), Labcorp
Classification: Uncertain significance. Last evaluated: 2023-10-17. Review status: criteria provided, single submitter. Criteria: Invitae Variant Classification Sherloc (09022015). Collection method: clinical testing. Allele origin: germline.
Comment: This sequence change replaces arginine, which is basic and polar, with glutamine, which is neutral and polar, at codon 621 of the MIPEP protein (p.Arg621Gln). This variant is present in population databases (rs752794654, gnomAD 0.008%). This variant has not been reported in the literature in individuals affected with MIPEP-related conditions. Advanced modeling of protein sequence and biophysical properties (such as structural, functional, and spatial information, amino acid conservation, physicochemical variation, residue mobility, and thermodynamic stability) performed at Invitae indicates that this missense variant is not expected to disrupt MIPEP protein function. In summary, the available evidence is currently insufficient to determine the role of this variant in disease. Therefore, it has been classified as a Variant of Uncertain Significance.